The following is an entry in ClinVar:

NM_000169.3(GLA):c.608A>T (p.Glu203Val)

Genes: GLA (galactosidase alpha; minus strand), RPL36A-HNRNPH2 (RPL36A-HNRNPH2 readthrough; plus strand). Cytogenetic location: Xq22.1.
Variant type: single nucleotide variant.
Coding change: c.608A>T on transcript NM_000169.3 (MANE Select); coding-DNA position 608, A replaced by T.
Protein change: p.Glu203Val; replaces glutamic acid 203 with valine.
Molecular consequence: missense variant. On other transcripts: non-coding transcript variant (2), intron variant (2).
Genome position (GRCh38, 1-based): chrX:101,400,697, T>A on the plus strand (A>T on the coding strand, the complement: GLA is on the minus strand). VCF-style: chrX-101400697-T-A. GRCh37 (hg19) VCF-style: chrX-100655685-T-A.
Other names: c.731A>T, p.Glu244Val (NM_001406747.1); c.608A>T, p.Glu203Val (NM_001406748.1); c.300+5240T>A (NM_001199973.2); c.177+8875T>A (NM_001199974.2); short protein forms E203V, E244V.
Identifiers: ClinVar variation 4087429 (VCV004087429.2).

ClinVar aggregate classification (germline): Uncertain significance (1 of 4 stars; one submission).

Conditions:
Fabry disease. Also called: ALPHA-GALACTOSIDASE A DEFICIENCY; ANDERSON-FABRY DISEASE; CERAMIDE TRIHEXOSIDASE DEFICIENCY; GLA DEFICIENCY; HEREDITARY DYSTOPIC LIPIDOSIS; Angiokeratoma corporis diffusum. Identifiers: Orphanet 324, MedGen C0002986, MONDO:0010526, OMIM 301500, HP:0001071. Disease mechanism: Fabry disease is due to inactivating mutations in the X-linked GLA gene resulting in deficiency of the enzyme Alpha Galactosidase-A., loss of function.

Submission:

Genomenon, Inc
Classification: Uncertain significance for Fabry disease. Last evaluated: 2026-09-08. Review status: criteria provided, single submitter. Criteria: Genomenon Sequence Variant Interpretation Standards - Updated. Collection method: curation. Allele origin: germline. Affected: no.
Comment: GLA p.Glu203Val (c.608A>T) is a missense variant that changes the amino acid at codon 203 from Glutamic acid to Valine. This variant has been reported in the published literature (PMID:32995357;31036492;27657681). This variant is located in a mutational hotspot and/or important functional domain. It is absent or not present at a significant frequency in gnomAD. In silico models predict that this variant is possibly or probably damaging. In conclusion, we classify GLA p.Glu203Val (c.608A>T) as a variant of uncertain significance.

Literature cited by the submitters: PubMed 32995357; PubMed 31036492; PubMed 27657681.